The following is an entry in ClinVar:

NM_000532.5(PCCB):c.907G>C (p.Asp303His)

Gene: PCCB (propionyl-CoA carboxylase subunit beta; plus strand). Cytogenetic location: 3q22.3.
Variant type: single nucleotide variant.
Coding change: c.907G>C on transcript NM_000532.5 (MANE Select); coding-DNA position 907, G replaced by C.
Protein change: p.Asp303His; replaces aspartic acid 303 with histidine.
Molecular consequence: missense variant.
Genome position (GRCh38, 1-based): chr3:136,301,052, G>C. VCF-style: chr3-136301052-G-C. GRCh37 (hg19) VCF-style: chr3-136019894-G-C.
Other names: c.967G>C, p.Asp323His (NM_001178014.2); short protein forms D323H, D303H.
Identifiers: ClinVar variation 1380651 (VCV001380651.7), dbSNP rs943266027, ClinGen allele CA83800515.

ClinVar aggregate classification (germline): Uncertain significance (1 of 4 stars; one submission).

Conditions:
Propionic acidemia (PROP). Also called: GLYCINEMIA, KETOTIC; HYPERGLYCINEMIA WITH KETOACIDOSIS AND LEUKOPENIA; KETOTIC HYPERGLYCINEMIA. Identifiers: Orphanet 35, MedGen C0268579, MONDO:0011628, OMIM 606054, HP:0003571.

Allele frequency attached by ClinVar (database versions not stated): gnomAD exomes below 0.00001; gnomAD 0.00001; TOPMed 0.00001.
gnomAD v4.1: 2 of 1,614,030 alleles (0.00012%); highest among the groups gnomAD compares: African/African-American, 0.0027%; no homozygotes.

Submission:

Labcorp Genetics (formerly Invitae), Labcorp
Classification: Uncertain significance for Propionic acidemia. Last evaluated: 2021-07-10. Review status: criteria provided, single submitter. Criteria: Invitae Variant Classification Sherloc (09022015). Collection method: clinical testing. Allele origin: germline.
Comment: In summary, the available evidence is currently insufficient to determine the role of this variant in disease. Therefore, it has been classified as a Variant of Uncertain Significance. Algorithms developed to predict the effect of missense changes on protein structure and function (SIFT, PolyPhen-2, Align-GVGD) all suggest that this variant is likely to be disruptive. This variant has not been reported in the literature in individuals affected with PCCB-related conditions. This variant is not present in population databases (ExAC no frequency). This sequence change replaces aspartic acid with histidine at codon 303 of the PCCB protein (p.Asp303His). The aspartic acid residue is highly conserved and there is a moderate physicochemical difference between aspartic acid and histidine.